The following is an entry in ClinVar:

NM_005045.4(RELN):c.1482A>T (p.Ile494=)

Gene: RELN (reelin; minus strand). Cytogenetic location: 7q22.1.
Variant type: single nucleotide variant.
Coding change: c.1482A>T on transcript NM_005045.4 (MANE Select); coding-DNA position 1482, A replaced by T.
Protein change: p.Ile494=; no amino-acid change (isoleucine 494 retained).
Molecular consequence: synonymous variant.
Genome position (GRCh38, 1-based): chr7:103,654,165, T>A on the plus strand (A>T on the coding strand, the complement: RELN is on the minus strand). VCF-style: chr7-103654165-T-A. GRCh37 (hg19) VCF-style: chr7-103294612-T-A.
Other names: c.1482A>T, p.Ile494= (NM_173054.3).
Identifiers: ClinVar variation 288992 (VCV000288992.18), dbSNP rs764121311, ClinGen allele CA4422253.
Genomic context (GRCh38, chr7:103,654,165, plus strand): 5'-ATAGGAAAGGGTATCCAGTGTTATATGCTCTTTTCTTCCTTCAATTTTTGCATACAGGAT[T>A]ATGTCATTTTCATGAGAATTTCCAGGGTCACAAATTCCTCCTGCACAAAACAAAAATTTT-3'
Protein context (NP_005036.2, residues 484-504): CDPGNSHEND[Ile494=]ILYAKIEGRK

ClinVar aggregate classification (germline): Conflicting classifications of pathogenicity. Review status: criteria provided, conflicting classifications (1 of 4 stars). 3 submissions from 3 submitters: Uncertain significance (1); Likely benign (2). Last evaluated 2026-03-01.

Conditions:
Familial temporal lobe epilepsy 7. Identifiers: Orphanet 101046, MedGen C4225327, MONDO:0014639, OMIM 616436.
Norman-Roberts syndrome (LIS2). Also called: Lissencephaly 2 (Norman-Roberts type). Identifiers: Orphanet 89844, MedGen C0796089, MONDO:0009760, OMIM 257320.

Allele frequency attached by ClinVar (database versions not stated): ExAC 0.00001; gnomAD 0.00001; gnomAD exomes 0.00001 and 0.00004; TOPMed 0.00001.
gnomAD v4.1: 51 of 1,611,638 alleles (0.0032%); highest among the groups gnomAD compares: Non-Finnish European, 0.0042%; no homozygotes.

Submissions (3):

CeGaT Center for Human Genetics Tuebingen
Classification: Likely benign. Last evaluated: 2026-03-01. Review status: criteria provided, single submitter. Criteria: CeGaT Center For Human Genetics Tuebingen Variant Classification Criteria Version 2. Collection method: clinical testing. Allele origin: germline. Affected: yes. Observed: 1 variant allele.
Comment: RELN: BP4, BP7

Labcorp Genetics (formerly Invitae), Labcorp
Classification: Likely benign for Familial temporal lobe epilepsy 7; Norman-Roberts syndrome. Last evaluated: 2025-05-11. Review status: criteria provided, single submitter. Criteria: Invitae Variant Classification Sherloc (09022015). Collection method: clinical testing. Allele origin: germline.

Eurofins Ntd Llc (ga)
Classification: Uncertain significance. Last evaluated: 2016-07-21. Review status: criteria provided, single submitter. Criteria: EGL Classification Definitions 2015. Collection method: clinical testing. Allele origin: germline. Observed: 1 variant allele, 1 heterozygote.